The following is an entry in ClinVar:

ClinVar aggregate classification (germline): Pathogenic/Likely pathogenic. Review status: criteria provided, multiple submitters, no conflicts (2 of 4 stars). 2 submissions from 2 submitters: Pathogenic (1); Likely pathogenic (1). Last evaluated 2022-05-07.

Conditions:
DICER1-related disorder. Also called: DICER1-related condition.
DICER1-related tumor predisposition. Also called: DICER1-related pleuropulmonary blastoma cancer predisposition syndrome; DICER1 syndrome. Identifiers: Orphanet 284343, MedGen C3839822, MONDO:0100216.

Submissions (2):

Labcorp Genetics (formerly Invitae), Labcorp
Classification: Pathogenic for DICER1-related tumor predisposition. Last evaluated: 2022-05-07. Review status: criteria provided, single submitter. Criteria: Invitae Variant Classification Sherloc (09022015). Collection method: clinical testing. Allele origin: germline.
Comment: For these reasons, this variant has been classified as Pathogenic. ClinVar contains an entry for this variant (Variation ID: 858879). This variant has not been reported in the literature in individuals affected with DICER1-related conditions. This variant is not present in population databases (gnomAD no frequency). This sequence change creates a premature translational stop signal (p.Lys1105Asnfs*39) in the DICER1 gene. It is expected to result in an absent or disrupted protein product. Loss-of-function variants in DICER1 are known to be pathogenic (PMID: 19556464, 21266384).

Blueprint Genetics
Classification: Likely pathogenic for DICER1-related disorders. Last evaluated: 2021-07-27. Review status: criteria provided, single submitter. Criteria: ACMG Guidelines, 2015. Collection method: clinical testing. Allele origin: germline. Affected: yes. Observed: 1 variant allele.

Literature cited by the submitters: PubMed 19556464 (cited by Labcorp Genetics (formerly Invitae), Labcorp); PubMed 21266384 (cited by Labcorp Genetics (formerly Invitae), Labcorp).

NM_177438.3(DICER1):c.3315del (p.Lys1105fs)

Gene: DICER1 (dicer 1, ribonuclease III; minus strand). Cytogenetic location: 14q32.13.
Variant type: Deletion.
Coding change: c.3315del on transcript NM_177438.3 (MANE Select); coding-DNA position 3315, one base deleted (A; older notation c.3315delA).
Protein change: p.Lys1105fs; shifts the reading frame from lysine 1105.
Molecular consequence: frameshift variant.
Genome position (GRCh38, 1-based): chr14:95,104,081, T deleted on the plus strand (A on the coding strand, the reverse complement: DICER1 is on the minus strand); the first of 3 consecutive T bases (chr14:95,104,081-95,104,083); deleting any one gives the same sequence. VCF-style (leftmost placement, unchanged base first): chr14-95104080-AT-A. GRCh37 (hg19) VCF-style: chr14-95570417-AT-A.
Other names: c.3315del, p.Lys1105fs (NM_001195573.1, NM_001271282.3, NM_001291628.2 and 1 more transcripts); short protein forms K1105fs.
Identifiers: ClinVar variation 858879 (VCV000858879.10), dbSNP rs1891189175, ClinGen allele CA916081744.